The following is an entry in ClinVar:

NM_198529.4(EFCAB5):c.1374T>C (p.Tyr458=)

Gene: EFCAB5 (EF-hand calcium binding domain 5; plus strand). Cytogenetic location: 17q11.2.
Variant type: single nucleotide variant.
Coding change: c.1374T>C on transcript NM_198529.4 (MANE Select); coding-DNA position 1374, T replaced by C.
Protein change: p.Tyr458=; no amino-acid change (tyrosine 458 retained).
Molecular consequence: synonymous variant. On other transcripts: non-coding transcript variant (1).
Genome position (GRCh38, 1-based): chr17:30,053,328, T>C. VCF-style: chr17-30053328-T-C. GRCh37 (hg19) VCF-style: chr17-28380346-T-C.
Other names: c.1206T>C, p.Tyr402= (NM_001145053.2).
Identifiers: ClinVar variation 3048474 (VCV003048474.2), dbSNP rs377721343, ClinGen allele CA8478786.

ClinVar aggregate classification (germline): Likely benign (0 of 4 stars; one submission).

Conditions:
EFCAB5-related disorder. Also called: EFCAB5-related condition.

Allele frequency attached by ClinVar (database versions not stated): gnomAD exomes 0.00003; ExAC 0.00007; gnomAD 0.00026; TOPMed 0.00032; ESP Exome Variant Server 0.00067.
gnomAD v4.1: 79 of 1,613,870 alleles (0.0049%); highest among the groups gnomAD compares: African/African-American, 0.099%; no homozygotes.

Submission:

PreventionGenetics, part of Exact Sciences
Classification: Likely benign for EFCAB5-related condition. Last evaluated: 2019-11-19. Review status: no assertion criteria provided. Collection method: clinical testing. Allele origin: germline.
Comment: This variant is classified as likely benign based on ACMG/AMP sequence variant interpretation guidelines (Richards et al. 2015 PMID: 25741868, with internal and published modifications).